The following is an entry in ClinVar:

ClinVar aggregate classification (germline): Uncertain significance. Review status: criteria provided, multiple submitters, no conflicts (2 of 4 stars). 4 submissions from 2 submitters: Uncertain significance (4). Last evaluated 2018-01-13.

Conditions:
Maturity-onset diabetes of the young type 13. Also called: MODY, TYPE 13. Identifiers: Orphanet 552, MedGen C4225365, MONDO:0014589, OMIM 616329.
Maturity-onset diabetes of the young (MODY). Also called: Maturity onset diabetes mellitus in young. Identifiers: Orphanet 552, MedGen C0342276, MONDO:0018911, HP:0004904.
Diabetes mellitus, transient neonatal, 3 (TNDM3). Identifiers: Orphanet 99886, MedGen C1864623, MONDO:0012522, OMIM 610582. Disease mechanism: loss of function.
Hyperinsulinemic hypoglycemia, familial, 2. Also called: HYPERINSULINEMIC HYPOGLYCEMIA, PERSISTENT; HYPERINSULINISM, NEONATAL. Identifiers: Orphanet 276580, Orphanet 276603, MedGen C2931833, MONDO:0011153, OMIM 601820. Disease mechanism: loss of function.

Allele frequency attached by ClinVar (database versions not stated): TOPMed below 0.00001; gnomAD 0.00001.

Submissions (4):

Illumina Laboratory Services, Illumina
Classification: Uncertain significance for Hyperinsulinemic hypoglycemia, familial, 2. Last evaluated: 2018-01-13. Review status: criteria provided, single submitter. Criteria: ICSL Variant Classification Criteria 13 December 2019. Collection method: clinical testing. Allele origin: germline.

Illumina Laboratory Services, Illumina
Classification: Uncertain significance for Diabetes mellitus, transient neonatal, 3. Last evaluated: 2018-01-13. Review status: criteria provided, single submitter. Criteria: ICSL Variant Classification Criteria 13 December 2019. Collection method: clinical testing. Allele origin: germline.

Illumina Laboratory Services, Illumina
Classification: Uncertain significance for Maturity-onset diabetes of the young type 13. Last evaluated: 2018-01-13. Review status: criteria provided, single submitter. Criteria: ICSL Variant Classification Criteria 13 December 2019. Collection method: clinical testing. Allele origin: germline.

Clinical Genomics, Uppaluri K&H Personalized Medicine Clinic
Classification: Uncertain significance for Maturity-onset diabetes of the young. Review status: criteria provided, single submitter. Criteria: K & H Uppaluri Personalized Medicine Clinic Variant Classification & Assertion Criteria_Updated V.1. Collection method: research. Allele origin: somatic. Inheritance: Autosomal dominant inheritance.
Comment: Mutations in KCNJ11 gene can cause decreased production and secretion of insulin. This can lead to MODY which may be responsive to oral sulfonylureas. It is also associated with Neonatal Diabetes. However, no sufficient evidence is found to ascertain the role of this particular variant (rs886048038) in MODY yet.

Literature cited by the submitters: PubMed 26448950 (cited by Clinical Genomics, Uppaluri K&H Personalized Medicine Clinic); PubMed 15580558 (cited by Clinical Genomics, Uppaluri K&H Personalized Medicine Clinic); PubMed 15718250 (cited by Clinical Genomics, Uppaluri K&H Personalized Medicine Clinic); PubMed 32935446 (cited by Clinical Genomics, Uppaluri K&H Personalized Medicine Clinic); PubMed 22701567 (cited by Clinical Genomics, Uppaluri K&H Personalized Medicine Clinic).

NM_000525.4(KCNJ11):c.*311C>T

Gene: KCNJ11 (potassium inwardly rectifying channel subfamily J member 11; minus strand). Cytogenetic location: 11p15.1.
Variant type: single nucleotide variant.
Coding change: c.*311C>T on transcript NM_000525.4 (MANE Select); 311 bases downstream of the stop codon, C replaced by T.
Molecular consequence: 3 prime UTR variant.
Genome position (GRCh38, 1-based): chr11:17,386,608, G>A on the plus strand (C>T on the coding strand, the complement: KCNJ11 is on the minus strand). VCF-style: chr11-17386608-G-A. GRCh37 (hg19) VCF-style: chr11-17408155-G-A.
Other names: c.*311C>T (NM_001166290.2, NM_001377296.1, NM_001377297.1).
Identifiers: ClinVar variation 303724 (VCV000303724.6), dbSNP rs886048038, ClinGen allele CA10637945.